The following is an entry in ClinVar:

ClinVar aggregate classification (germline): Uncertain significance (1 of 4 stars; one submission).

Allele frequency attached by ClinVar (database versions not stated): gnomAD 0.00003; gnomAD exomes 0.00003 and 0.00011; TOPMed 0.00005; ExAC 0.00007; ESP Exome Variant Server 0.00008.
gnomAD v4.1: 59 of 1,605,072 alleles (0.0037%); highest among the groups gnomAD compares: Admixed American, 0.012%; no homozygotes.

Submission:

Labcorp Genetics (formerly Invitae), Labcorp
Classification: Uncertain significance. Last evaluated: 2022-07-12. Review status: criteria provided, single submitter. Criteria: Invitae Variant Classification Sherloc (09022015). Collection method: clinical testing. Allele origin: germline.
Comment: This variant has not been reported in the literature in individuals affected with MYO18B-related conditions. This variant is present in population databases (rs371851187, gnomAD 0.1%). This sequence change replaces glutamic acid, which is acidic and polar, with lysine, which is basic and polar, at codon 2160 of the MYO18B protein (p.Glu2160Lys). ClinVar contains an entry for this variant (Variation ID: 1437507). In summary, the available evidence is currently insufficient to determine the role of this variant in disease. Therefore, it has been classified as a Variant of Uncertain Significance. Algorithms developed to predict the effect of missense changes on protein structure and function output the following: SIFT: "Not Available"; PolyPhen-2: "Benign"; Align-GVGD: "Not Available". The lysine amino acid residue is found in multiple mammalian species, which suggests that this missense change does not adversely affect protein function.

NM_032608.7(MYO18B):c.6478G>A (p.Glu2160Lys)

Gene: MYO18B (myosin XVIIIB; plus strand). Cytogenetic location: 22q12.1.
Variant type: single nucleotide variant.
Coding change: c.6478G>A on transcript NM_032608.7 (MANE Select); coding-DNA position 6478, G replaced by A.
Protein change: p.Glu2160Lys; replaces glutamic acid 2160 with lysine.
Molecular consequence: missense variant.
Genome position (GRCh38, 1-based): chr22:26,026,452, G>A. VCF-style: chr22-26026452-G-A. GRCh37 (hg19) VCF-style: chr22-26422418-G-A.
Other names: c.6481G>A, p.Glu2161Lys (NM_001318245.2); short protein forms E2160K, E2161K.
Identifiers: ClinVar variation 1437507 (VCV001437507.4), dbSNP rs371851187, ClinGen allele CA10161544.